The following is an entry in ClinVar:

NM_017763.6(RNF43):c.874C>T (p.His292Tyr)

Gene: RNF43 (ring finger protein 43; minus strand). Cytogenetic location: 17q22.
Variant type: single nucleotide variant.
Coding change: c.874C>T on transcript NM_017763.6 (MANE Select); coding-DNA position 874, C replaced by T.
Protein change: p.His292Tyr; replaces histidine 292 with tyrosine.
Molecular consequence: missense variant.
Genome position (GRCh38, 1-based): chr17:58,360,227, G>A on the plus strand (C>T on the coding strand, the complement: RNF43 is on the minus strand). VCF-style: chr17-58360227-G-A. GRCh37 (hg19) VCF-style: chr17-56437588-G-A.
Other names: c.874C>T, p.His292Tyr (NM_001305544.3, NM_001438820.1, NM_001438821.1 and 1 more transcripts); c.493C>T, p.His165Tyr (NM_001305545.2, NM_001437987.1); short protein forms H165Y, H292Y.
Identifiers: ClinVar variation 4863403 (VCV004863403.1).

ClinVar aggregate classification (germline): Uncertain significance (1 of 4 stars; one submission).

Submission:

Ambry Genetics
Classification: Uncertain significance. Last evaluated: 2026-04-21. Review status: criteria provided, single submitter. Criteria: Ambry Variant Classification Scheme 2023. Collection method: clinical testing. Allele origin: germline.
Comment: The p.H292Y variant (also known as c.874C>T), located in coding exon 7 of the RNF43 gene, results from a C to T substitution at nucleotide position 874. The histidine at codon 292 is replaced by tyrosine, an amino acid with similar properties. This amino acid position is highly conserved in available vertebrate species. In addition, this alteration is predicted to be deleterious by in silico analysis. The evidence for this gene-disease relationship is limited; therefore, the clinical significance of this variant is unclear.